The following is an entry in ClinVar:

ClinVar aggregate classification (germline): Uncertain significance. Review status: criteria provided, multiple submitters, no conflicts (2 of 4 stars). 2 submissions from 2 submitters: Uncertain significance (2). Last evaluated 2025-03-25.

Conditions:
Norman-Roberts syndrome (LIS2). Also called: Lissencephaly 2 (Norman-Roberts type). Identifiers: Orphanet 89844, MedGen C0796089, MONDO:0009760, OMIM 257320.
Familial temporal lobe epilepsy 7. Identifiers: Orphanet 101046, MedGen C4225327, MONDO:0014639, OMIM 616436.
Inborn genetic diseases. Identifiers: MedGen C0950123, MeSH D030342.

Submissions (2):

Ambry Genetics
Classification: Uncertain significance for Inborn genetic diseases. Last evaluated: 2025-03-25. Review status: criteria provided, single submitter. Criteria: Ambry Variant Classification Scheme 2023. Collection method: clinical testing. Allele origin: germline.

Labcorp Genetics (formerly Invitae), Labcorp
Classification: Uncertain significance for Familial temporal lobe epilepsy 7; Norman-Roberts syndrome. Last evaluated: 2023-06-27. Review status: criteria provided, single submitter. Criteria: Invitae Variant Classification Sherloc (09022015). Collection method: clinical testing. Allele origin: germline.
Comment: In summary, the available evidence is currently insufficient to determine the role of this variant in disease. Therefore, it has been classified as a Variant of Uncertain Significance. Advanced modeling of protein sequence and biophysical properties (such as structural, functional, and spatial information, amino acid conservation, physicochemical variation, residue mobility, and thermodynamic stability) performed at Invitae indicates that this missense variant is not expected to disrupt RELN protein function. This variant has not been reported in the literature in individuals affected with RELN-related conditions. This variant is not present in population databases (gnomAD no frequency). This sequence change replaces glycine, which is neutral and non-polar, with aspartic acid, which is acidic and polar, at codon 1975 of the RELN protein (p.Gly1975Asp).

NM_005045.4(RELN):c.5924G>A (p.Gly1975Asp)

Gene: RELN (reelin; minus strand). Cytogenetic location: 7q22.1.
Variant type: single nucleotide variant.
Coding change: c.5924G>A on transcript NM_005045.4 (MANE Select); coding-DNA position 5924, G replaced by A.
Protein change: p.Gly1975Asp; replaces glycine 1975 with aspartic acid.
Molecular consequence: missense variant.
Genome position (GRCh38, 1-based): chr7:103,553,705, C>T on the plus strand (G>A on the coding strand, the complement: RELN is on the minus strand). VCF-style: chr7-103553705-C-T. GRCh37 (hg19) VCF-style: chr7-103194152-C-T.
Other names: c.5924G>A (NM_005045.3); c.5924G>A, p.Gly1975Asp (NM_173054.3); short protein forms G1975D.
Identifiers: ClinVar variation 2937074 (VCV002937074.4), dbSNP rs2484721686, ClinGen allele CA368739675.
Genomic context (GRCh38, chr7:103,553,705, plus strand): 5'-ATTCTTAATACTTACGGTGCCCCCTTTGAAGAATATGGACAATAAAGACCGATGTTACCA[C>T]CAGGATAGAAAAACCAATTGTCTTCTCTGGGCCCAAAATCAAATGTATCCAAGAGCATCA-3'
Protein context (NP_005036.2, residues 1965-1985): PREDNWFFYP[Gly1975Asp]GNIGLYCPYS